The following is an entry in ClinVar:

NM_000342.4(SLC4A1):c.1972G>A (p.Glu658Lys)

Gene: SLC4A1 (solute carrier family 4 member 1 (Diego blood group); minus strand). Cytogenetic location: 17q21.31.
Variant type: single nucleotide variant.
Coding change: c.1972G>A on transcript NM_000342.4 (MANE Select); coding-DNA position 1972, G replaced by A.
Protein change: p.Glu658Lys; replaces glutamic acid 658 with lysine.
Molecular consequence: missense variant.
Genome position (GRCh38, 1-based): chr17:44,254,581, C>T on the plus strand (G>A on the coding strand, the complement: SLC4A1 is on the minus strand). VCF-style: chr17-44254581-C-T. GRCh37 (hg19) VCF-style: chr17-42331949-C-T.
Other names: short protein forms E658K.
Identifiers: ClinVar variation 17759 (VCV000017759.17), dbSNP rs75731670, ClinGen allele CA127380.

ClinVar aggregate classification (germline): Conflicting classifications of pathogenicity. Review status: criteria provided, conflicting classifications (1 of 4 stars). 8 submissions from 6 submitters: Uncertain significance (5); Benign (1); Likely benign (1). 1 of the submissions does not count toward it. Last evaluated 2025-10-06.

Conditions:
Hereditary spherocytosis type 4. Also called: SLC4A1-Related Spherocytosis. Identifiers: Orphanet 822, MedGen C2675212, MONDO:0012981, OMIM 612653.
Cryohydrocytosis. Also called: CRYOHYDROCYTOSIS DUE TO BAND 3 HEMEL; CRYOHYDROCYTOSIS DUE TO BAND 3 HURSTPIERPOINT; CRYOHYDROCYTOSIS DUE TO BAND 3 BLACKBURN; STOMATOCYTOSIS, COLD-SENSITIVE; Hereditary cryohydrocytosis with normal stomatin. Identifiers: Orphanet 398088, MedGen C1861453, MONDO:0008494, OMIM 185020.
Autosomal dominant distal renal tubular acidosis (DRTA1). Also called: RENAL TUBULAR ACIDOSIS, DISTAL, 1; RTA, CLASSIC TYPE; RTA, DISTAL TYPE, AUTOSOMAL DOMINANT; RTA, GRADIENT TYPE; Renal Tubular Acidosis, Type I. Identifiers: Orphanet 93608, MedGen CN280572, MONDO:0008368, OMIM 179800.
Renal tubular acidosis, distal, 4, with hemolytic anemia. Also called: Renal Tubular Acidosis, Distal, with Hemolytic Anemia. Identifiers: Orphanet 93610, MedGen C5436235, MONDO:0012700, OMIM 611590.
BLOOD GROUP--SWANN SYSTEM (SW). Also called: SWANN BLOOD GROUP. Identifiers: MedGen C1832169, OMIM 601550.
BLOOD GROUP, WALDNER (WD). Also called: WALDNER BLOOD GROUP ANTIGEN. Identifiers: MedGen C1862191, OMIM 112010.
BLOOD GROUP--FROESE (FR). Also called: FROESE BLOOD GROUP ANTIGEN. Identifiers: MedGen C1832168, OMIM 601551.
Southeast Asian ovalocytosis. Also called: HE, STOMATOCYTIC; Stomatocytic elliptocytosis, hereditary; Ovalocytosis, Malaysian-Melanesian-Filipino type; Elliptocytosis 4. Identifiers: Orphanet 98868, MedGen C1862322, MONDO:0008165, OMIM 166900.
Malaria, susceptibility to. Identifiers: Orphanet 673, MedGen C1970028, MONDO:0021024, OMIM 611162.
BLOOD GROUP--WRIGHT ANTIGEN (WR). Identifiers: MedGen C1862190, OMIM 112050.
BLOOD GROUP--DIEGO SYSTEM (DI). Identifiers: MedGen C1292286, OMIM 110500.
Hemolytic anemia. Identifiers: MedGen C0002878, MONDO:0003664, HP:0001878.

Allele frequency attached by ClinVar (database versions not stated): gnomAD 0.00023 and 0.00024; TOPMed 0.00018; 1000 Genomes Project 0.00020; 1000 Genomes Project 30x 0.00031.
gnomAD v4.1: 519 of 1,614,068 alleles (0.032%); highest among the groups gnomAD compares: Middle Eastern, 0.082%; no homozygotes.

Submissions (8):

Labcorp Genetics (formerly Invitae), Labcorp
Classification: Likely benign. Last evaluated: 2025-10-06. Review status: criteria provided, single submitter. Criteria: Invitae Variant Classification Sherloc (09022015). Collection method: clinical testing. Allele origin: germline.

Women's Health and Genetics/Laboratory Corporation of America, LabCorp
Classification: Uncertain significance. Last evaluated: 2025-03-27. Review status: criteria provided, single submitter. Criteria: LabCorp Variant Classification Summary - May 2015. Collection method: clinical testing. Allele origin: germline.
Comment: Variant summary: SLC4A1 c.1972G>A (p.Glu658Lys) results in a conservative amino acid change in the encoded protein sequence. Four of five in-silico tools predict a benign effect of the variant on protein function. The variant allele was found at a frequency of 0.0002 in 251322 control chromosomes (gnomAD). This frequency is not significantly higher than estimated for a pathogenic variant in SLC4A1 causing SLC4A1-Related Disorders, allowing no conclusion about variant significance. c.1972G>A has been reported in the literature in individuals affected with SLC4A1-Related Disorders (Bruce_1995, Alshomar_2024). These reports do not provide unequivocal conclusions about association of the variant with SLC4A1-Related Disorders. To our knowledge, no experimental evidence demonstrating an impact on protein function has been reported. The following publications have been ascertained in the context of this evaluation (PMID: 38319988, 7812009). ClinVar contains an entry for this variant (Variation ID: 17759). Based on the evidence outlined above, the variant was classified as uncertain significance.

Revvity Omics, Revvity
Classification: Uncertain significance. Last evaluated: 2024-10-24. Review status: criteria provided, single submitter. Criteria: ACMG Guidelines, 2015. Collection method: clinical testing. Allele origin: germline.

Fulgent Genetics
Classification: Uncertain significance for BLOOD GROUP--DIEGO SYSTEM; BLOOD GROUP, WALDNER; BLOOD GROUP--WRIGHT ANTIGEN; Southeast Asian ovalocytosis; Autosomal dominant distal renal tubular acidosis; Cryohydrocytosis; BLOOD GROUP--SWANN SYSTEM; BLOOD GROUP--FROESE; Malaria, susceptibility to; Renal tubular acidosis, distal, 4, with hemolytic anemia; Hereditary spherocytosis type 4. Last evaluated: 2024-04-03. Review status: criteria provided, single submitter. Criteria: ACMG Guidelines, 2015. Collection method: clinical testing. Allele origin: germline.

Illumina Laboratory Services, Illumina
Classification: Uncertain significance for Hereditary spherocytosis type 4. Last evaluated: 2017-04-27. Review status: criteria provided, single submitter. Criteria: ICSL Variant Classification Criteria 13 December 2019. Collection method: clinical testing. Allele origin: germline.
Comment: This variant was observed as part of a predisposition screen in an ostensibly healthy population. A literature search was performed for the gene, cDNA change, and amino acid change (where applicable). Publications were found based on this search. However, the evidence from the literature, in combination with allele frequency data from public databases where available, was not sufficient to rule this variant in or out of causing disease. Therefore, this variant is classified as a variant of unknown significance.

Illumina Laboratory Services, Illumina
Classification: Benign for Autosomal dominant distal renal tubular acidosis. Last evaluated: 2017-04-27. Review status: criteria provided, single submitter. Criteria: ICSL Variant Classification Criteria 13 December 2019. Collection method: clinical testing. Allele origin: germline.
Comment: This variant was observed as part of a predisposition screen in an ostensibly healthy population. A literature search was performed for the gene, cDNA change, and amino acid change (where applicable). No publications were found based on this search. Allele frequency data from public databases was too high to be consistent with this variant causing disease. Therefore, this variant is classified as benign.

Illumina Laboratory Services, Illumina
Classification: Uncertain significance for Hemolytic anemia. Last evaluated: 2017-04-27. Review status: criteria provided, single submitter. Criteria: ICSL Variant Classification Criteria 13 December 2019. Collection method: clinical testing. Allele origin: germline.

OMIM
Classification: Affects for WRIGHT BLOOD GROUP ANTIGEN. Last evaluated: 1995-01-15. Review status: no assertion criteria provided. Collection method: literature only. Allele origin: germline. Not counted in ClinVar's aggregate classification.

Literature cited by the submitters: PubMed 38319988 (cited by Women's Health and Genetics/Laboratory Corporation of America, LabCorp); PubMed 7812009 (cited by 3 submitters); PubMed 23255290 (cited by Illumina Laboratory Services, Illumina).